The following is an entry in ClinVar:

NM_001844.5(COL2A1):c.1958G>T (p.Arg653Leu)

Gene: COL2A1 (collagen type II alpha 1 chain; minus strand). Cytogenetic location: 12q13.11.
Variant type: single nucleotide variant.
Coding change: c.1958G>T on transcript NM_001844.5 (MANE Select); coding-DNA position 1958, G replaced by T.
Protein change: p.Arg653Leu; replaces arginine 653 with leucine.
Molecular consequence: missense variant.
Genome position (GRCh38, 1-based): chr12:47,983,720, C>A on the plus strand (G>T on the coding strand, the complement: COL2A1 is on the minus strand). VCF-style: chr12-47983720-C-A. GRCh37 (hg19) VCF-style: chr12-48377503-C-A.
Other names: c.1751G>T, p.Arg584Leu (NM_033150.3); c.1958G>T (NM_001844.4); short protein forms R584L, R653L.
Identifiers: ClinVar variation 3639170 (VCV003639170.4).

ClinVar aggregate classification (germline): Uncertain significance. Review status: criteria provided, multiple submitters, no conflicts (2 of 4 stars). 2 submissions from 2 submitters: Uncertain significance (2). Last evaluated 2025-10-08.

Submissions (2):

GeneDx
Classification: Uncertain significance. Last evaluated: 2025-10-08. Review status: criteria provided, single submitter. Criteria: GeneDx Variant Classification Process June 2021. Collection method: clinical testing. Allele origin: germline.
Comment: Not observed at significant frequency in large population cohorts (gnomAD); In silico analysis supports that this missense variant has a deleterious effect on protein structure/function; Occurs in the triple helical domain at the Y position in the canonical Gly-X-Y repeat; although this variant may have an effect on normal protein folding and function, missense substitution at the Y position is not a common mechanism of disease (HGMD); Has not been previously published as pathogenic or benign to our knowledge

Labcorp Genetics (formerly Invitae), Labcorp
Classification: Uncertain significance. Last evaluated: 2024-09-04. Review status: criteria provided, single submitter. Criteria: Invitae Variant Classification Sherloc (09022015). Collection method: clinical testing. Allele origin: germline.
Comment: This sequence change replaces arginine, which is basic and polar, with leucine, which is neutral and non-polar, at codon 653 of the COL2A1 protein (p.Arg653Leu). This variant is not present in population databases (gnomAD no frequency). This variant has not been reported in the literature in individuals affected with COL2A1-related conditions. Invitae Evidence Modeling of protein sequence and biophysical properties (such as structural, functional, and spatial information, amino acid conservation, physicochemical variation, residue mobility, and thermodynamic stability) has been performed for this missense variant. However, the output from this modeling did not meet the statistical confidence thresholds required to predict the impact of this variant on COL2A1 protein function. In summary, the available evidence is currently insufficient to determine the role of this variant in disease. Therefore, it has been classified as a Variant of Uncertain Significance.